The following is an entry in ClinVar:

ClinVar aggregate classification (germline): Uncertain significance (1 of 4 stars; one submission).

Allele frequency attached by ClinVar (database versions not stated): gnomAD exomes below 0.00001; TOPMed below 0.00001; gnomAD 0.00001.
gnomAD v4.1: 3 of 1,614,020 alleles (0.00019%); highest among the groups gnomAD compares: Non-Finnish European, 0.00025%; no homozygotes.

Submission:

Labcorp Genetics (formerly Invitae), Labcorp
Classification: Uncertain significance. Last evaluated: 2023-11-27. Review status: criteria provided, single submitter. Criteria: Invitae Variant Classification Sherloc (09022015). Collection method: clinical testing. Allele origin: germline.
Comment: This sequence change creates a premature translational stop signal (p.Glu212*) in the A2ML1 gene. It is expected to result in an absent or disrupted protein product. However, the current clinical and genetic evidence is not sufficient to establish whether loss-of-function variants in A2ML1 cause disease. This variant is not present in population databases (gnomAD no frequency). This variant has not been reported in the literature in individuals affected with A2ML1-related conditions. Algorithms developed to predict the effect of sequence changes on RNA splicing suggest that this variant may disrupt the consensus splice site. In summary, the available evidence is currently insufficient to determine the role of this variant in disease. Therefore, it has been classified as a Variant of Uncertain Significance.

NM_144670.6(A2ML1):c.634G>T (p.Glu212Ter)

Gene: A2ML1 (alpha-2-macroglobulin like 1; plus strand). Cytogenetic location: 12p13.31.
Variant type: single nucleotide variant.
Coding change: c.634G>T on transcript NM_144670.6 (MANE Select); coding-DNA position 634, G replaced by T.
Protein change: p.Glu212Ter; replaces glutamic acid 212 with a stop codon.
Molecular consequence: nonsense.
Genome position (GRCh38, 1-based): chr12:8,835,657, G>T. VCF-style: chr12-8835657-G-T. GRCh37 (hg19) VCF-style: chr12-8988253-G-T.
Other names: short protein forms E212*.
Identifiers: ClinVar variation 3010760 (VCV003010760.3), dbSNP rs1453227387, ClinGen allele CA383821560.